The following is an entry in ClinVar:

NM_000535.7(PMS2):c.1738A>C (p.Lys580Gln)

Gene: PMS2 (PMS1 homolog 2, mismatch repair system component; minus strand). Cytogenetic location: 7p22.1.
Variant type: single nucleotide variant.
Coding change: c.1738A>C on transcript NM_000535.7 (MANE Select); coding-DNA position 1738, A replaced by C.
Protein change: p.Lys580Gln; replaces lysine 580 with glutamine.
Molecular consequence: missense variant. On other transcripts: non-coding transcript variant (1), intron variant (1).
Genome position (GRCh38, 1-based): chr7:5,987,027, T>G on the plus strand (A>C on the coding strand, the complement: PMS2 is on the minus strand). VCF-style: chr7-5987027-T-G. GRCh37 (hg19) VCF-style: chr7-6026658-T-G.
Other names: c.1333A>C, p.Lys445Gln (NM_001018040.1, NM_001322003.2, NM_001322004.2 and 17 more transcripts); c.1582A>C, p.Lys528Gln (NM_001322006.2, NM_001406870.1); c.1420A>C, p.Lys474Gln (NM_001322007.2, NM_001322008.2, NM_001406876.1 and 2 more transcripts); c.1177A>C, p.Lys393Gln (NM_001322010.2, NM_001406906.1, NM_001406907.1); c.805A>C, p.Lys269Gln (NM_001322011.2, NM_001322012.2); c.1165A>C, p.Lys389Gln (NM_001322013.2, NM_001406909.1); c.1738A>C, p.Lys580Gln (NM_001322014.2, NM_001406871.1, NM_001406872.1); c.1429A>C, p.Lys477Gln (NM_001322015.2, NM_001406875.1, NM_001406877.1 and 5 more transcripts); and 13 more; short protein forms K269Q, K323Q, K425Q, K477Q, K514Q, K524Q, K544Q, K389Q.
Identifiers: ClinVar variation 2586330 (VCV002586330.2), dbSNP rs267608169, ClinGen allele CA366740103.
Genomic context (GRCh38, chr7:5,987,027, plus strand): 5'-TGTCCTGAGTATTTACTAACTTTTGACAAATGTCAGAACTGGAAAGAATTTCTTCTTTTT[T>G]AAAACGCTTTGTGTTTGGGGTTGCGAGATTAGTTGGCTGAGGCAAAACTCGAAATTTACA-3'
Protein context (NP_000526.2, residues 570-590): NLATPNTKRF[Lys580Gln]KEEILSSSDI

ClinVar aggregate classification (germline): Uncertain significance (1 of 4 stars; one submission).

Conditions:
Hereditary cancer-predisposing syndrome. Also called: Hereditary neoplastic syndrome; Tumor predisposition; Hereditary Cancer Syndrome; Neoplastic Syndromes, Hereditary. Identifiers: Orphanet 140162, MedGen C0027672, MeSH D009386, MONDO:0015356.

Submission:

Ambry Genetics
Classification: Uncertain significance for Hereditary cancer-predisposing syndrome. Last evaluated: 2023-06-29. Review status: criteria provided, single submitter. Criteria: Ambry Variant Classification Scheme 2023. Collection method: clinical testing. Allele origin: germline.
Comment: The p.K580Q variant (also known as c.1738A>C), located in coding exon 11 of the PMS2 gene, results from an A to C substitution at nucleotide position 1738. The lysine at codon 580 is replaced by glutamine, an amino acid with similar properties. This amino acid position is conserved. In addition, this alteration is predicted to be tolerated by in silico analysis. Since supporting evidence is limited at this time, the clinical significance of this alteration remains unclear.